The following is an entry in ClinVar:

ClinVar aggregate classification (germline): Uncertain significance (1 of 4 stars; one submission).

Submission:

Labcorp Genetics (formerly Invitae), Labcorp
Classification: Uncertain significance. Last evaluated: 2025-01-30. Review status: criteria provided, single submitter. Criteria: Invitae Variant Classification Sherloc (09022015). Collection method: clinical testing. Allele origin: germline.
Comment: This sequence change replaces alanine, which is neutral and non-polar, with glycine, which is neutral and non-polar, at codon 768 of the KIF20A protein (p.Ala768Gly). This variant is not present in population databases (gnomAD no frequency). This variant has not been reported in the literature in individuals affected with KIF20A-related conditions. An algorithm developed to predict the effect of missense changes on protein structure and function (PolyPhen-2) suggests that this variant is likely to be tolerated. In summary, the available evidence is currently insufficient to determine the role of this variant in disease. Therefore, it has been classified as a Variant of Uncertain Significance.

NM_005733.3(KIF20A):c.2303C>G (p.Ala768Gly)

Gene: KIF20A (kinesin family member 20A; plus strand). Cytogenetic location: 5q31.2.
Variant type: single nucleotide variant.
Coding change: c.2303C>G on transcript NM_005733.3 (MANE Select); coding-DNA position 2303, C replaced by G.
Protein change: p.Ala768Gly; replaces alanine 768 with glycine.
Molecular consequence: missense variant.
Genome position (GRCh38, 1-based): chr5:138,186,379, C>G. VCF-style: chr5-138186379-C-G. GRCh37 (hg19) VCF-style: chr5-137522068-C-G.
Other names: short protein forms A768G.
Identifiers: ClinVar variation 3694398 (VCV003694398.2).